The following is an entry in ClinVar:

ClinVar aggregate classification (germline): Uncertain significance (1 of 4 stars; one submission).

Conditions:
Epilepsy, childhood absence, susceptibility to, 1. Also called: Epilepsy, childhood absence 1. Identifiers: Orphanet 64280, MedGen C1838604, MONDO:0020759, OMIM 600131.
Epilepsy, childhood absence, susceptibility to, 5. Identifiers: Orphanet 64280, MedGen C2677087, MONDO:0012843, OMIM 612269.

Submission:

Labcorp Genetics (formerly Invitae), Labcorp
Classification: Uncertain significance for Epilepsy, childhood absence, susceptibility to, 5; Epilepsy, childhood absence, susceptibility to, 1. Last evaluated: 2022-08-23. Review status: criteria provided, single submitter. Criteria: Invitae Variant Classification Sherloc (09022015). Collection method: clinical testing. Allele origin: germline.
Comment: In summary, the available evidence is currently insufficient to determine the role of this variant in disease. Therefore, it has been classified as a Variant of Uncertain Significance. Advanced modeling of protein sequence and biophysical properties (such as structural, functional, and spatial information, amino acid conservation, physicochemical variation, residue mobility, and thermodynamic stability) performed at Invitae indicates that this missense variant is not expected to disrupt GABRB3 protein function. ClinVar contains an entry for this variant (Variation ID: 834876). This variant has not been reported in the literature in individuals affected with GABRB3-related conditions. This variant is not present in population databases (gnomAD no frequency). This sequence change replaces valine, which is neutral and non-polar, with leucine, which is neutral and non-polar, at codon 19 of the GABRB3 protein (p.Val19Leu).

NM_000814.6(GABRB3):c.55G>C (p.Val19Leu)

Gene: GABRB3 (gamma-aminobutyric acid type A receptor subunit beta3; minus strand). Cytogenetic location: 15q12.
Variant type: single nucleotide variant.
Coding change: c.55G>C on transcript NM_000814.6 (MANE Select); coding-DNA position 55, G replaced by C.
Protein change: p.Val19Leu; replaces valine 19 with leucine.
Molecular consequence: missense variant. On other transcripts: 5 prime UTR variant (1), intron variant (1).
Genome position (GRCh38, 1-based): chr15:26,772,908, C>G on the plus strand (G>C on the coding strand, the complement: GABRB3 is on the minus strand). VCF-style: chr15-26772908-C-G. GRCh37 (hg19) VCF-style: chr15-27018055-C-G.
Other names: c.-297G>C (NM_001278631.2); c.81-136G>C (NM_021912.5); short protein forms V19L.
Identifiers: ClinVar variation 834876 (VCV000834876.11), dbSNP rs1891194798, ClinGen allele CA391465603.